The following is an entry in ClinVar:

ClinVar aggregate classification (germline): Benign/Likely benign. Review status: criteria provided, multiple submitters, no conflicts (2 of 4 stars). 5 submissions from 5 submitters: Benign (2); Likely benign (3). Last evaluated 2026-02-03.

Conditions:
Retinoblastoma (RB1). Also called: RETINOBLASTOMA, SOMATIC. Identifiers: Orphanet 790, MedGen C0035335, MeSH D012175, MONDO:0008380, OMIM 180200, HP:0009919. Disease mechanism: loss of function. Inheritance: Both sporadic and heritable forms are tested..

Submissions (5):

Labcorp Genetics (formerly Invitae), Labcorp
Classification: Benign for Retinoblastoma. Last evaluated: 2026-02-03. Review status: criteria provided, single submitter. Criteria: Invitae Variant Classification Sherloc (09022015). Collection method: clinical testing. Allele origin: germline.

Myriad Genetics, Inc.
Classification: Likely benign for Retinoblastoma. Last evaluated: 2026-01-15. Review status: criteria provided, single submitter. Criteria: Myriad Autosomal Dominant, Autosomal Recessive and X-Linked Classification Criteria (2023). Collection method: clinical testing. Allele origin: unknown.
Comment: This variant is considered likely benign. This variant is intronic and is not expected to impact mRNA splicing. This variant has been observed at a population frequency that is significantly greater than expected given the associated disease prevalence and penetrance.

Blueprint Genetics
Classification: Likely benign. Last evaluated: 2024-11-25. Review status: criteria provided, single submitter. Criteria: ACMG Guidelines, 2015. Collection method: clinical testing. Allele origin: germline.

Institute for Clinical Genetics, University Hospital TU Dresden, University Hospital TU Dresden
Classification: Likely benign. Last evaluated: 2021-11-03. Review status: criteria provided, single submitter. Criteria: ACMG Guidelines, 2015. Collection method: clinical testing. Allele origin: germline.

Women's Health and Genetics/Laboratory Corporation of America, LabCorp
Classification: Benign. Last evaluated: 2018-11-05. Review status: criteria provided, single submitter. Criteria: LabCorp Variant Classification Summary - May 2015. Collection method: clinical testing. Allele origin: germline.
Comment: Variant summary: RB1 c.1499-10delT alters a non-conserved nucleotide located close to a canonical splice site and therefore could affect mRNA splicing, leading to a significantly altered protein sequence. 5/5 computational tools predict no significant impact on normal splicing. However, these predictions have yet to be confirmed by functional studies. The variant allele was found at a frequency of 0.052 in 29574 control chromosomes, predominantly within the Non-Finnish European at a frequency of 0.067 subpopulation in the ExAC database. The observed variant frequency within Non-Finnish European control individuals in the ExAC database is approximately 1608-fold above the estimated maximal expected allele frequency for a pathogenic variant in RB1 causing Retinoblastoma phenotype (4.2e-05), strongly suggesting that the variant is a benign polymorphism found primarily in populations of Non-Finnish European origin. No clinical diagnostic laboratories have submitted clinical-significance assessments for this variant to ClinVar after 2014. Based on the evidence outlined above, the variant was classified as benign.

NM_000321.3(RB1):c.1499-10del

Gene: RB1 (RB transcriptional corepressor 1; plus strand). Cytogenetic location: 13q14.2.
Variant type: Deletion.
Coding change: c.1499-10del on transcript NM_000321.3 (MANE Select); 10 bases into the intron before coding-DNA position 1499, one base deleted (T; older notation c.1499-10delT).
Molecular consequence: intron variant.
Genome position (GRCh38, 1-based): chr13:48,381,237, T deleted; the last of 10 consecutive T bases (chr13:48,381,228-48,381,237); deleting any one gives the same sequence. VCF-style (leftmost placement, unchanged base first): chr13-48381227-CT-C. GRCh37 (hg19) VCF-style: chr13-48955363-CT-C.
Other names: c.1499-10delT (NM_000321.2).
Identifiers: ClinVar variation 633390 (VCV000633390.13), dbSNP rs148580581, ClinGen allele CA029009.